The following is an entry in ClinVar:

NM_004174.4(SLC9A3):c.855C>T (p.Ile285=)

Gene: SLC9A3 (solute carrier family 9 member A3). Cytogenetic location: 5p15.33.
Variant type: single nucleotide variant.
Coding change: c.855C>T on transcript NM_004174.4 (MANE Select); coding-DNA position 855, C replaced by T.
Protein change: p.Ile285=; no amino-acid change (isoleucine 285 retained).
Molecular consequence: synonymous variant.
Genome position (GRCh38, 1-based): chr5:484,597, G>A on the plus strand (C>T on the coding strand, the complement: SLC9A3 is on the minus strand). VCF-style: chr5-484597-G-A. GRCh37 (hg19) VCF-style: chr5-484712-G-A.
Other names: c.855C>T (NM_004174.3); c.855C>T, p.Ile285= (NM_001284351.3).
Identifiers: ClinVar variation 2712135 (VCV002712135.5), dbSNP rs1398943264, ClinGen allele CA442973305.
Genomic context (GRCh38, chr5:484,597, plus strand): 5'-CGACAGCATCTCGGACGTCAGGTAGGACAGGTAGGAGATGATGAACACGAAGCCGGGCTC[G>A]ATGATACGCACATGCTTGGTGAAGCGCGTCACCAGCGACAGCAGGAAGGCGAAGACCACC-3'
Protein context (NP_004165.2, residues 275-295): VTRFTKHVRI[Ile285=]EPGFVFIISY

ClinVar aggregate classification (germline): Likely benign. Review status: criteria provided, single submitter (1 of 4 stars). 2 submissions from 2 submitters: Likely benign (1). 1 of the submissions does not count toward it. Last evaluated 2024-06-08.

Conditions:
SLC9A3-related disorder. Also called: SLC9A3-related condition.

Allele frequency attached by ClinVar (database versions not stated): gnomAD 0.00001; TOPMed 0.00001; gnomAD exomes 0.00002.
gnomAD v4.1: 31 of 1,613,212 alleles (0.0019%); highest among the groups gnomAD compares: Non-Finnish European, 0.0023%; no homozygotes.

Submissions (2):

Labcorp Genetics (formerly Invitae), Labcorp
Classification: Likely benign. Last evaluated: 2024-06-08. Review status: criteria provided, single submitter. Criteria: Invitae Variant Classification Sherloc (09022015). Collection method: clinical testing. Allele origin: germline.

PreventionGenetics, part of Exact Sciences
Classification: Likely benign for SLC9A3-related condition. Last evaluated: 2019-06-05. Review status: no assertion criteria provided. Collection method: clinical testing. Allele origin: germline. Not counted in ClinVar's aggregate classification.
Comment: This variant is classified as likely benign based on ACMG/AMP sequence variant interpretation guidelines (Richards et al. 2015 PMID: 25741868, with internal and published modifications).